The following is an entry in ClinVar:

NM_006765.4(TUSC3):c.*1531A>G

Gene: TUSC3 (tumor suppressor candidate 3; plus strand). Cytogenetic location: 8p22.
Variant type: single nucleotide variant.
Coding change: c.*1531A>G on transcript NM_006765.4 (MANE Select); 1531 bases downstream of the stop codon, A replaced by G.
Molecular consequence: 3 prime UTR variant.
Genome position (GRCh38, 1-based): chr8:15,765,687, A>G. VCF-style: chr8-15765687-A-G. GRCh37 (hg19) VCF-style: chr8-15623196-A-G.
Other names: c.*1469A>G (NM_178234.2).
Identifiers: ClinVar variation 362333 (VCV000362333.36), dbSNP rs190430215, ClinGen allele CA10630520.

ClinVar aggregate classification (germline): Conflicting classifications of pathogenicity. Review status: criteria provided, conflicting classifications (1 of 4 stars). 2 submissions from 2 submitters: Uncertain significance (1); Likely benign (1). Last evaluated 2023-04-01.

Conditions:
Congenital disorder of glycosylation (CDG). Also called: Congenital disorders of glycosylation; Carbohydrate-deficient glycoprotein syndrome. Identifiers: Orphanet 137, MedGen C0282577, MONDO:0015286.

Allele frequency attached by ClinVar (database versions not stated): gnomAD 0.00112 and 0.00155; TOPMed 0.00198; 1000 Genomes Project 30x 0.00359; 1000 Genomes Project 0.00399.

Submissions (2):

CeGaT Center for Human Genetics Tuebingen
Classification: Likely benign. Last evaluated: 2023-04-01. Review status: criteria provided, single submitter. Criteria: CeGaT Center For Human Genetics Tuebingen Variant Classification Criteria Version 2. Collection method: clinical testing. Allele origin: germline. Affected: yes. Observed: 6 variant alleles.
Comment: TUSC3: BS1

Illumina Laboratory Services, Illumina
Classification: Uncertain significance for Congenital disorder of glycosylation. Last evaluated: 2018-01-12. Review status: criteria provided, single submitter. Criteria: ICSL Variant Classification Criteria 13 December 2019. Collection method: clinical testing. Allele origin: germline.